The following is an entry in ClinVar:

ClinVar aggregate classification (germline): Uncertain significance. Review status: criteria provided, multiple submitters, no conflicts (2 of 4 stars). 2 submissions from 2 submitters: Uncertain significance (2). Last evaluated 2025-12-14.

Conditions:
Cone-rod dystrophy 6 (CORD6). Also called: RETINAL CONE DYSTROPHY 2; Cone dystrophy progressive. Identifiers: Orphanet 1872, MedGen C1866293, MONDO:0011143, OMIM 601777.
Leber congenital amaurosis 1 (LCA1). Also called: AMAUROSIS CONGENITA OF LEBER I; RETINAL BLINDNESS, CONGENITAL; Congenital absence of the rods and cones; Leber's congenital tapetoretinal degeneration; Leber's congenital tapetoretinal dysplasia. Identifiers: Orphanet 65, MedGen C2931258, MONDO:0008764, OMIM 204000.

gnomAD v4.1: 92 of 1,613,780 alleles (0.0057%); highest among the groups gnomAD compares: Non-Finnish European, 0.0076%; no homozygotes.

Submissions (2):

Labcorp Genetics (formerly Invitae), Labcorp
Classification: Uncertain significance for Leber congenital amaurosis 1; Cone-rod dystrophy 6. Last evaluated: 2025-12-14. Review status: criteria provided, single submitter. Criteria: Invitae Variant Classification Sherloc (09022015). Collection method: clinical testing. Allele origin: germline.
Comment: This sequence change replaces alanine, which is neutral and non-polar, with glutamic acid, which is acidic and polar, at codon 693 of the GUCY2D protein (p.Ala693Glu). This variant is present in population databases (rs35146471, gnomAD 0.006%). This variant has not been reported in the literature in individuals affected with GUCY2D-related conditions. Invitae Evidence Modeling of protein sequence and biophysical properties (such as structural, functional, and spatial information, amino acid conservation, physicochemical variation, residue mobility, and thermodynamic stability) indicates that this missense variant is not expected to disrupt GUCY2D protein function with a negative predictive value of 80%. In summary, the available evidence is currently insufficient to determine the role of this variant in disease. Therefore, it has been classified as a Variant of Uncertain Significance.

Blueprint Genetics
Classification: Uncertain significance. Last evaluated: 2022-01-12. Review status: criteria provided, single submitter. Criteria: ACMG Guidelines, 2015. Collection method: clinical testing. Allele origin: germline.

NM_000180.4(GUCY2D):c.2078C>A (p.Ala693Glu)

Gene: GUCY2D (guanylate cyclase 2D, retinal; plus strand). Cytogenetic location: 17p13.1.
Variant type: single nucleotide variant.
Coding change: c.2078C>A on transcript NM_000180.4 (MANE Select); coding-DNA position 2078, C replaced by A.
Protein change: p.Ala693Glu; replaces alanine 693 with glutamic acid.
Molecular consequence: missense variant.
Genome position (GRCh38, 1-based): chr17:8,012,571, C>A. VCF-style: chr17-8012571-C-A. GRCh37 (hg19) VCF-style: chr17-7915889-C-A.
Other names: short protein forms A693E.
Identifiers: ClinVar variation 4787578 (VCV004787578.2).